The following is an entry in ClinVar:

NM_004448.4(ERBB2):c.3142C>T (p.Arg1048Cys)

Gene: ERBB2 (erb-b2 receptor tyrosine kinase 2; plus strand). Cytogenetic location: 17q12.
Variant type: single nucleotide variant.
Coding change: c.3142C>T on transcript NM_004448.4 (MANE Select); coding-DNA position 3142, C replaced by T.
Protein change: p.Arg1048Cys; replaces arginine 1048 with cysteine.
Molecular consequence: missense variant. On other transcripts: non-coding transcript variant (1), intron variant (2).
Genome position (GRCh38, 1-based): chr17:39,726,986, C>T. VCF-style: chr17-39726986-C-T. GRCh37 (hg19) VCF-style: chr17-37883239-C-T.
Other names: c.3052C>T, p.Arg1018Cys (NM_001005862.3, NM_001382782.1, NM_001382783.1); c.3097C>T, p.Arg1033Cys (NM_001289936.2); c.3142C>T, p.Arg1048Cys (NM_001289937.2); c.3259C>T, p.Arg1087Cys (NM_001382784.1); c.3244C>T, p.Arg1082Cys (NM_001382785.1); c.3223C>T, p.Arg1075Cys (NM_001382786.1); c.3217C>T, p.Arg1073Cys (NM_001382787.1); c.3172C>T, p.Arg1058Cys (NM_001382788.1); and 16 more; short protein forms R1075C, R702C, R962C, R1015C, R1018C, R1034C, R1055C, R1058C.
Identifiers: ClinVar variation 1380837 (VCV001380837.7), dbSNP rs377602610, ClinGen allele CA8534467.

ClinVar aggregate classification (germline): Uncertain significance. Review status: criteria provided, multiple submitters, no conflicts (2 of 4 stars). 2 submissions from 2 submitters: Uncertain significance (2). Last evaluated 2024-11-05.

Conditions:
Glioma susceptibility 1 (GLM1). Also called: Glioblastoma, somatic. Identifiers: MedGen C2750850, MONDO:0024498, OMIM 137800.
Lung cancer. Also called: Lung cancer, somatic; Malignant tumor of lung. Identifiers: MedGen C0242379, MONDO:0008903, OMIM 211980.
Gastric cancer. Also called: Stomach cancer; Malignant tumor of stomach. Identifiers: MedGen C0024623, MeSH D013274, MONDO:0001056, OMIM 613659, HP:0012126.
Visceral neuropathy, familial, 2, autosomal recessive. Identifiers: MedGen C5561950, MONDO:0030399, OMIM 619465.
Ovarian cancer. Also called: OVARIAN CANCER, SOMATIC. Identifiers: Orphanet 213500, MedGen C1140680, MONDO:0008170, OMIM 167000.

Allele frequency attached by ClinVar (database versions not stated): ExAC 0.00003; gnomAD exomes 0.00003 and 0.00006; gnomAD 0.00006 and 0.00008; ESP Exome Variant Server 0.00008; TOPMed 0.00011.
gnomAD v4.1: 56 of 1,601,760 alleles (0.0035%); highest among the groups gnomAD compares: African/African-American, 0.031%; no homozygotes.

Submissions (2):

Labcorp Genetics (formerly Invitae), Labcorp
Classification: Uncertain significance. Last evaluated: 2024-11-05. Review status: criteria provided, single submitter. Criteria: Invitae Variant Classification Sherloc (09022015). Collection method: clinical testing. Allele origin: germline.
Comment: This sequence change replaces arginine, which is basic and polar, with cysteine, which is neutral and slightly polar, at codon 1048 of the ERBB2 protein (p.Arg1048Cys). This variant is present in population databases (rs377602610, gnomAD 0.03%). This variant has not been reported in the literature in individuals affected with ERBB2-related conditions. ClinVar contains an entry for this variant (Variation ID: 1380837). An algorithm developed to predict the effect of missense changes on protein structure and function (PolyPhen-2) suggests that this variant is likely to be disruptive. In summary, the available evidence is currently insufficient to determine the role of this variant in disease. Therefore, it has been classified as a Variant of Uncertain Significance.

Fulgent Genetics
Classification: Uncertain significance for Glioma susceptibility 1; Ovarian cancer; Lung cancer; Gastric cancer; Visceral neuropathy, familial, 2, autosomal recessive. Last evaluated: 2024-03-07. Review status: criteria provided, single submitter. Criteria: ACMG Guidelines, 2015. Collection method: clinical testing. Allele origin: germline.